The following is an entry in ClinVar:

NM_001457.4(FLNB):c.3806A>C (p.His1269Pro)

Gene: FLNB (filamin B; plus strand). Cytogenetic location: 3p14.3.
Variant type: single nucleotide variant.
Coding change: c.3806A>C on transcript NM_001457.4 (MANE Select); coding-DNA position 3806, A replaced by C.
Protein change: p.His1269Pro; replaces histidine 1269 with proline.
Molecular consequence: missense variant.
Genome position (GRCh38, 1-based): chr3:58,124,413, A>C. VCF-style: chr3-58124413-A-C. GRCh37 (hg19) VCF-style: chr3-58110140-A-C.
Other names: c.3806A>C, p.His1269Pro (NM_001164317.2, NM_001164318.2, NM_001164319.2); short protein forms H1269P.
Identifiers: ClinVar variation 1963082 (VCV001963082.5), dbSNP rs199568506, ClinGen allele CA75448502.

ClinVar aggregate classification (germline): Uncertain significance (1 of 4 stars; one submission).

Allele frequency attached by ClinVar (database versions not stated): gnomAD exomes below 0.00001; TOPMed below 0.00001.
gnomAD v4.1: 4 of 1,614,220 alleles (0.00025%); highest among the groups gnomAD compares: Non-Finnish European, 0.00034%; no homozygotes.

Submission:

Labcorp Genetics (formerly Invitae), Labcorp
Classification: Uncertain significance. Last evaluated: 2024-11-19. Review status: criteria provided, single submitter. Criteria: Invitae Variant Classification Sherloc (09022015). Collection method: clinical testing. Allele origin: germline.
Comment: This sequence change replaces histidine, which is basic and polar, with proline, which is neutral and non-polar, at codon 1269 of the FLNB protein (p.His1269Pro). This variant is not present in population databases (gnomAD no frequency). This variant has not been reported in the literature in individuals affected with FLNB-related conditions. ClinVar contains an entry for this variant (Variation ID: 1963082). Invitae Evidence Modeling of protein sequence and biophysical properties (such as structural, functional, and spatial information, amino acid conservation, physicochemical variation, residue mobility, and thermodynamic stability) indicates that this missense variant is not expected to disrupt FLNB protein function with a negative predictive value of 95%. In summary, the available evidence is currently insufficient to determine the role of this variant in disease. Therefore, it has been classified as a Variant of Uncertain Significance.